The following is an entry in ClinVar:

NM_001184900.3(CARD8):c.58C>T (p.Arg20Trp)

Gene: CARD8 (caspase recruitment domain family member 8; minus strand). Cytogenetic location: 19q13.33.
Variant type: single nucleotide variant.
Coding change: c.58C>T on transcript NM_001184900.3 (MANE Select); coding-DNA position 58, C replaced by T.
Protein change: p.Arg20Trp; replaces arginine 20 with tryptophan.
Molecular consequence: missense variant. On other transcripts: 5 prime UTR variant (7), non-coding transcript variant (4).
Genome position (GRCh38, 1-based): chr19:48,240,963, G>A on the plus strand (C>T on the coding strand, the complement: CARD8 is on the minus strand). VCF-style: chr19-48240963-G-A. GRCh37 (hg19) VCF-style: chr19-48744220-G-A.
Other names: c.58C>T, p.Arg20Trp (NM_001184901.1, NM_001184902.2, NM_001184903.1 and 6 more transcripts); c.-67C>T (NM_001351784.2, NM_001351787.2, NM_001351791.2 and 2 more transcripts); c.-281C>T (NM_001351786.2); c.-145C>T (NM_001351790.2); c.58C>T (NM_001184900.1); short protein forms R20W.
Identifiers: ClinVar variation 1410435 (VCV001410435.10), dbSNP rs923351245, ClinGen allele CA309297673.
Genomic context (GRCh38, chr19:48,240,963, plus strand): 5'-ATAACGAAACACAGAAGAATCAGCCATCAGGAGCCCTCACAGAGCGCAAAGTCACTCACC[G>A]TCTCGGCAGCTCTTCCTCACTGCTGCTACTCTTTTCTGGACACTCCTTTTTTTCCATTTG-3'
Protein context (NP_001171829.1, residues 10-30): SSSSEEELPR[Arg20Trp]DSGSSRNIDA

ClinVar aggregate classification (germline): Uncertain significance. Review status: criteria provided, multiple submitters, no conflicts (2 of 4 stars). 2 submissions from 2 submitters: Uncertain significance (2). Last evaluated 2025-11-07.

Allele frequency attached by ClinVar (database versions not stated): gnomAD exomes 0.00001 and 0.00002; gnomAD 0.00009 and 0.00010; TOPMed 0.00010.

Submissions (2):

Ambry Genetics
Classification: Uncertain significance. Last evaluated: 2025-11-07. Review status: criteria provided, single submitter. Criteria: Ambry Variant Classification Scheme 2023. Collection method: clinical testing. Allele origin: germline.

Labcorp Genetics (formerly Invitae), Labcorp
Classification: Uncertain significance. Last evaluated: 2024-11-30. Review status: criteria provided, single submitter. Criteria: Invitae Variant Classification Sherloc (09022015). Collection method: clinical testing. Allele origin: germline.
Comment: This sequence change replaces arginine, which is basic and polar, with tryptophan, which is neutral and slightly polar, at codon 20 of the CARD8 protein (p.Arg20Trp). This variant is present in population databases (no rsID available, gnomAD 0.03%). This variant has not been reported in the literature in individuals affected with CARD8-related conditions. ClinVar contains an entry for this variant (Variation ID: 1410435). An algorithm developed to predict the effect of missense changes on protein structure and function outputs the following: PolyPhen-2: "Probably Damaging". The tryptophan amino acid residue is found in multiple mammalian species, which suggests that this missense change does not adversely affect protein function. In summary, the available evidence is currently insufficient to determine the role of this variant in disease. Therefore, it has been classified as a Variant of Uncertain Significance.